The following is an entry in ClinVar:

NM_002225.5(IVD):c.539C>T (p.Ala180Val)

Gene: IVD (isovaleryl-CoA dehydrogenase; plus strand). Cytogenetic location: 15q15.1.
Variant type: single nucleotide variant.
Coding change: c.539C>T on transcript NM_002225.5 (MANE Select); coding-DNA position 539, C replaced by T.
Protein change: p.Ala180Val; replaces alanine 180 with valine.
Molecular consequence: missense variant. On other transcripts: non-coding transcript variant (1).
Genome position (GRCh38, 1-based): chr15:40,411,342, C>T. VCF-style: chr15-40411342-C-T. GRCh37 (hg19) VCF-style: chr15-40703541-C-T.
Other names: c.449C>T, p.Ala150Val (NM_001159508.3); c.491C>T, p.Ala164Val (NM_001354597.3); c.539C>T, p.Ala180Val (NM_001354598.3, NM_001354601.3); c.626C>T, p.Ala209Val (NM_001354599.3, NM_001354600.3); short protein forms A150V, A164V, A180V, A209V.
Identifiers: ClinVar variation 1254764 (VCV001254764.5), dbSNP rs559732306, ClinGen allele CA7480661.

ClinVar aggregate classification (germline): Conflicting classifications of pathogenicity. Review status: criteria provided, conflicting classifications (1 of 4 stars). 4 submissions from 4 submitters: Likely pathogenic (2); Uncertain significance (1). 1 of the submissions does not count toward it. Last evaluated 2026-02-01.

Conditions:
Isovaleryl-CoA dehydrogenase deficiency (IVA). Also called: IVD DEFICIENCY; Classic Isovaleric Acidemia; ISOVALERIC ACID CoA DEHYDROGENASE DEFICIENCY; Isovaleric acidemia. Identifiers: Orphanet 33, MedGen C0268575, MONDO:0009475, OMIM 243500.
IVD-related disorder. Also called: IVD-related condition.

Allele frequency attached by ClinVar (database versions not stated): gnomAD 0.00001; TOPMed 0.00001; gnomAD exomes 0.00002 and 0.00004; ExAC 0.00005.
gnomAD v4.1: 32 of 1,613,900 alleles (0.002%); highest among the groups gnomAD compares: Admixed American, 0.0083%; no homozygotes.

Submissions (4):

PreventionGenetics, part of Exact Sciences
Classification: Likely pathogenic for IVD-related condition. Last evaluated: 2026-02-01. Review status: criteria provided, single submitter. Criteria: ACMG Guidelines, 2015. Collection method: clinical testing. Allele origin: germline.
Comment: The IVD c.548C>T variant is predicted to result in the amino acid substitution p.Ala183Val. This variant has been reported in the homozygous state in two individuals who were asymptomatic but biochemically confirmed to have isovaleric acidemia (Mütze et al. 2021. PubMed ID: 33496032). It has also been reported in the compound heterozygous state with an undocumented IVD missense variant (c.757A>G, p.Thr253Ala) in an individual with elevated c5 in newborn screening and follow up biochemical test results consistent with isovaleric acidemia, although the individual was clinically asymptomatic (Tan et al. 2022. PubMed ID: 36453955). This variant is reported in 0.020% of alleles in individuals of Latino descent in gnomAD. This variant is interpreted as likely pathogenic.

Baylor Genetics
Classification: Likely pathogenic for Isovaleryl-CoA dehydrogenase deficiency. Last evaluated: 2024-03-20. Review status: criteria provided, single submitter. Criteria: ACMG Guidelines, 2015. Collection method: clinical testing. Allele origin: unknown.

GeneDx
Classification: Uncertain significance. Last evaluated: 2021-08-23. Review status: criteria provided, single submitter. Criteria: GeneDx Variant Classification Process June 2021. Collection method: clinical testing. Allele origin: germline. Affected: yes.
Comment: Identified in an individual with positive newborn screening for isovaleric acidemia who was also heterozygous for a second variant in IVD, however the phase of this variants was not determined (Tan et al., 2021); In silico analysis supports that this missense variant has a deleterious effect on protein structure/function; This variant is associated with the following publications: (PMID: 34394177)

Natera, Inc.
Classification: Uncertain significance for Isovaleryl-coa dehydrogenase deficiency. Last evaluated: 2018-08-29. Review status: no assertion criteria provided. Collection method: clinical testing. Allele origin: germline. Not counted in ClinVar's aggregate classification.